The following is an entry in ClinVar:

NM_001563.4(IMPG1):c.2272T>C (p.Tyr758His)

Gene: IMPG1 (interphotoreceptor matrix proteoglycan 1; minus strand). Cytogenetic location: 6q14.1.
Variant type: single nucleotide variant.
Coding change: c.2272T>C on transcript NM_001563.4 (MANE Select); coding-DNA position 2272, T replaced by C.
Protein change: p.Tyr758His; replaces tyrosine 758 with histidine.
Molecular consequence: missense variant.
Genome position (GRCh38, 1-based): chr6:75,923,678, A>G on the plus strand (T>C on the coding strand, the complement: IMPG1 is on the minus strand). VCF-style: chr6-75923678-A-G. GRCh37 (hg19) VCF-style: chr6-76633395-A-G.
Other names: c.2038T>C, p.Tyr680His (NM_001282368.2); short protein forms Y680H, Y758H.
Identifiers: ClinVar variation 3690922 (VCV003690922.2).
Genomic context (GRCh38, chr6:75,923,678, plus strand): 5'-GAAAGTATGATTTTACCTTGTTATTTTGTTGATTTTGGAACTTTTTAACACTAGTTTTGT[A>G]TGCTTGATTTTCAGAGTGATCTGGCAACCTACAAAAGAAAGCAAAAACATAGTATCTTGT-3'
Protein context (NP_001554.2, residues 748-768): RLPDHSENQA[Tyr758His]KTSVKKFQNQ

ClinVar aggregate classification (germline): Uncertain significance (1 of 4 stars; one submission).

gnomAD v4.1: 2 of 1,597,094 alleles (0.00013%); highest among the groups gnomAD compares: Admixed American, 0.0034%; no homozygotes.

Submission:

Labcorp Genetics (formerly Invitae), Labcorp
Classification: Uncertain significance. Last evaluated: 2024-11-18. Review status: criteria provided, single submitter. Criteria: Invitae Variant Classification Sherloc (09022015). Collection method: clinical testing. Allele origin: germline.
Comment: This sequence change replaces tyrosine, which is neutral and polar, with histidine, which is basic and polar, at codon 758 of the IMPG1 protein (p.Tyr758His). This variant is not present in population databases (gnomAD no frequency). This variant has not been reported in the literature in individuals affected with IMPG1-related conditions. An algorithm developed to predict the effect of missense changes on protein structure and function outputs the following: PolyPhen-2: "Benign". The histidine amino acid residue is found in multiple mammalian species, which suggests that this missense change does not adversely affect protein function. In summary, the available evidence is currently insufficient to determine the role of this variant in disease. Therefore, it has been classified as a Variant of Uncertain Significance.